The following is an entry in ClinVar:

ClinVar aggregate classification (germline): Pathogenic (1 of 4 stars; one submission).

Conditions:
Cardiovascular phenotype. Identifiers: MedGen CN230736.

Submission:

Ambry Genetics
Classification: Pathogenic for Cardiovascular phenotype. Last evaluated: 2024-08-11. Review status: criteria provided, single submitter. Criteria: Ambry Variant Classification Scheme 2023. Collection method: clinical testing. Allele origin: germline.
Comment: The p.Y530* pathogenic mutation (also known as c.1590C>G), located in coding exon 13 of the DSP gene, results from a C to G substitution at nucleotide position 1590. This changes the amino acid from a tyrosine to a stop codon within coding exon 13. Alterations in DSP that result in haploinsufficiency or protein truncation have been reported in patients with arrhythmogenic right ventricular cardiomyopathy (ARVC) and dilated cardiomyopathy (DCM) (Fressart V et al. Europace. 2010;12(6):861-8; Elliott P et al. Circ Cardiovasc Genet. 2010;3(4):314-22; Quarta G et al. Circulation. 2011;123(23):2701-9; Garcia-Pavia P et al. Heart. 2011;97(21):1744-52; Rasmussen TB et al. Clin Genet. 2013;84(1):20-30; Pugh TJ et al. Genet Med. 2014;16(8):601-8). This variant is considered to be rare based on population cohorts in the Genome Aggregation Database (gnomAD). This alteration is expected to result in loss of function by premature protein truncation or nonsense-mediated mRNA decay. As such, this alteration is interpreted as a disease-causing mutation.

NM_004415.4(DSP):c.1590C>G (p.Tyr530Ter)

Gene: DSP (desmoplakin; plus strand). Cytogenetic location: 6p24.3.
Variant type: single nucleotide variant.
Coding change: c.1590C>G on transcript NM_004415.4 (MANE Select); coding-DNA position 1590, C replaced by G.
Protein change: p.Tyr530Ter; replaces tyrosine 530 with a stop codon.
Molecular consequence: nonsense.
Genome position (GRCh38, 1-based): chr6:7,570,452, C>G. VCF-style: chr6-7570452-C-G. GRCh37 (hg19) VCF-style: chr6-7570685-C-G.
Other names: c.1590C>G, p.Tyr530Ter (NM_001008844.3, NM_001319034.2); short protein forms Y530*.
Identifiers: ClinVar variation 3505483 (VCV003505483.1).